The following is an entry in ClinVar:

NM_001330078.2(NRXN1):c.4254A>G (p.Pro1418=)

Gene: NRXN1 (neurexin 1; minus strand). Cytogenetic location: 2p16.3.
Variant type: single nucleotide variant.
Coding change: c.4254A>G on transcript NM_001330078.2 (MANE Select); coding-DNA position 4254, A replaced by G.
Protein change: p.Pro1418=; no amino-acid change (proline 1418 retained).
Molecular consequence: synonymous variant.
Genome position (GRCh38, 1-based): chr2:49,922,214, T>C on the plus strand (A>G on the coding strand, the complement: NRXN1 is on the minus strand). VCF-style: chr2-49922214-T-C. GRCh37 (hg19) VCF-style: chr2-50149352-T-C.
Other names: p.P1458P:CCA>CCG; c.4374A>G, p.Pro1458= (NM_001135659.3); c.159A>G, p.Pro53= (NM_001320156.4); c.150A>G, p.Pro50= (NM_001320157.4); c.4230A>G, p.Pro1410= (NM_001330077.2); c.4221A>G, p.Pro1407= (NM_001330082.2); c.4089A>G, p.Pro1363= (NM_001330083.2); c.4188A>G, p.Pro1396= (NM_001330084.2); and 13 more.
Identifiers: ClinVar variation 129824 (VCV000129824.50), dbSNP rs55923848, ClinGen allele CA231344.

ClinVar aggregate classification (germline): Conflicting classifications of pathogenicity. Review status: criteria provided, conflicting classifications (1 of 4 stars). 8 submissions from 8 submitters: Uncertain significance (2); Benign (1); Likely benign (5). Last evaluated 2026-01-28.

Conditions:
History of neurodevelopmental disorder. Identifiers: MedGen C2711754.
Pitt-Hopkins-like syndrome 2 (PTHSL2). Identifiers: Orphanet 221150, Orphanet 600663, MedGen C3280479, MONDO:0013690, OMIM 614325.

Allele frequency attached by ClinVar (database versions not stated): 1000 Genomes Project 0.00040; 1000 Genomes Project 30x 0.00047; gnomAD exomes 0.00086 and 0.00124; TOPMed 0.00091; ExAC 0.00096; gnomAD 0.00109; ESP Exome Variant Server 0.00123.
gnomAD v4.1: 1,963 of 1,614,184 alleles (0.12%); highest among the groups gnomAD compares: Non-Finnish European, 0.15%; 4 homozygotes.

Submissions (8):

Labcorp Genetics (formerly Invitae), Labcorp
Classification: Likely benign for Pitt-Hopkins-like syndrome 2. Last evaluated: 2026-01-28. Review status: criteria provided, single submitter. Criteria: Invitae Variant Classification Sherloc (09022015). Collection method: clinical testing. Allele origin: germline.

Blueprint Genetics
Classification: Likely benign. Last evaluated: 2024-10-08. Review status: criteria provided, single submitter. Criteria: ACMG Guidelines, 2015. Collection method: clinical testing. Allele origin: germline.

CeGaT Center for Human Genetics Tuebingen
Classification: Likely benign. Last evaluated: 2024-09-01. Review status: criteria provided, single submitter. Criteria: CeGaT Center For Human Genetics Tuebingen Variant Classification Criteria Version 2. Collection method: clinical testing. Allele origin: germline. Affected: yes. Observed: 9 variant alleles.
Comment: NRXN1: BP4, BP7

Illumina Laboratory Services, Illumina
Classification: Uncertain significance for Pitt-Hopkins-like syndrome 2. Last evaluated: 2018-01-13. Review status: criteria provided, single submitter. Criteria: ICSL Variant Classification Criteria 13 December 2019. Collection method: clinical testing. Allele origin: germline.

Genetic Services Laboratory, University of Chicago
Classification: Likely benign. Last evaluated: 2017-05-26. Review status: criteria provided, single submitter. Criteria: ACMG Guidelines, 2015. Collection method: clinical testing. Allele origin: germline. Affected: no.

Ambry Genetics
Classification: Likely benign for History of neurodevelopmental disorder. Last evaluated: 2016-06-29. Review status: criteria provided, single submitter. Criteria: Ambry Autosomal Dominant and X-Linked criteria (10/2015). Collection method: clinical testing. Allele origin: germline. Observed: 1 variant allele.
Comment: Synonymous alterations with insufficient evidence to classify as benign

Eurofins Ntd Llc (ga)
Classification: Uncertain significance. Last evaluated: 2015-02-16. Review status: criteria provided, single submitter. Criteria: EGL Classification Definitions 2015. Collection method: clinical testing. Allele origin: germline. Observed: 3 variant alleles, 3 heterozygotes.

GeneDx
Classification: Benign. Last evaluated: 2012-12-31. Review status: criteria provided, single submitter. Criteria: GeneDx Variant Classification (06012015). Collection method: clinical testing. Allele origin: germline. Affected: yes.
Comment: This variant is considered likely benign or benign based on one or more of the following criteria: it is a conservative change, it occurs at a poorly conserved position in the protein, it is predicted to be benign by multiple in silico algorithms, and/or has population frequency not consistent with disease.

Literature cited by the submitters: PubMed 18179900 (cited by Ambry Genetics).